The following is an entry in ClinVar:

ClinVar aggregate classification (germline): Uncertain significance (1 of 4 stars; one submission).

Submission:

Labcorp Genetics (formerly Invitae), Labcorp
Classification: Uncertain significance. Last evaluated: 2025-02-04. Review status: criteria provided, single submitter. Criteria: Invitae Variant Classification Sherloc (09022015). Collection method: clinical testing. Allele origin: germline.
Comment: This variant, c.118_123del, results in the deletion of 2 amino acid(s) of the ARID1B protein (p.Ser40_Ser41del), but otherwise preserves the integrity of the reading frame. The frequency data for this variant in the population databases is considered unreliable, as metrics indicate poor data quality at this position in the gnomAD database. This variant has not been reported in the literature in individuals affected with ARID1B-related conditions. Experimental studies and prediction algorithms are not available or were not evaluated, and the functional significance of this variant is currently unknown. In summary, the available evidence is currently insufficient to determine the role of this variant in disease. Therefore, it has been classified as a Variant of Uncertain Significance.

NM_001374828.1(ARID1B):c.352TCC[5] (p.Ser123_Ser124del)

Genes: ARID1B (AT-rich interaction domain 1B; plus strand), LOC115308161 (uncharacterized LOC115308161; minus strand). Cytogenetic location: 6q25.3.
Variant type: Microsatellite.
Coding change: c.352TCC[5] on transcript NM_001374828.1 (MANE Select); five copies in a row of the 3-base unit TCC starting at c.352; the reference has seven copies in a row; two copies, 6 bases deleted.
Protein change: p.Ser123_Ser124del.
Molecular consequence: inframe deletion. On other transcripts: inframe indel (2).
Genome position (GRCh38, 1-based): chr6:156,778,047-156,778,052, TCCTCC deleted; deleting any 6 consecutive bases within chr6:156,778,032-156,778,052 gives the same sequence; the position shown is the placement nearest the transcript's 3' end. VCF-style (leftmost placement, unchanged base first): chr6-156778031-GTCCTCC-G. GRCh37 (hg19) VCF-style: chr6-157099165-GTCCTCC-G.
Other names: c.103_105TCC[5], p.Ser40_Ser41del (NM_001346813.1, NM_020732.3); c.352TCC[5], p.Ser123_Ser124del (NM_001371656.1, NM_001374820.1, NM_017519.3); c.-72_-70TCC[5] (NM_175863.2).
Identifiers: ClinVar variation 2768797 (VCV002768797.3), dbSNP rs770512547, ClinGen allele CA150802689.